The following is an entry in ClinVar:

NM_001008537.3(NEXMIF):c.544A>G (p.Ile182Val)

Gene: NEXMIF (neurite extension and migration factor; minus strand). Cytogenetic location: Xq13.3.
Variant type: single nucleotide variant.
Coding change: c.544A>G on transcript NM_001008537.3 (MANE Select); coding-DNA position 544, A replaced by G.
Protein change: p.Ile182Val; replaces isoleucine 182 with valine.
Molecular consequence: missense variant.
Genome position (GRCh38, 1-based): chrX:74,744,013, T>C on the plus strand (A>G on the coding strand, the complement: NEXMIF is on the minus strand). VCF-style: chrX-74744013-T-C. GRCh37 (hg19) VCF-style: chrX-73963848-T-C.
Other names: short protein forms I182V.
Identifiers: ClinVar variation 1500174 (VCV001500174.8), dbSNP rs1453061966, ClinGen allele CA413673093.

ClinVar aggregate classification (germline): Uncertain significance (1 of 4 stars; one submission).

Allele frequency attached by ClinVar (database versions not stated): gnomAD exomes 0.00001 and below 0.00001.
gnomAD v4.1: 2 of 1,209,928 alleles (0.00017%); highest among the groups gnomAD compares: Non-Finnish European, 0.00022%; no homozygotes.

Submission:

Labcorp Genetics (formerly Invitae), Labcorp
Classification: Uncertain significance. Last evaluated: 2022-12-31. Review status: criteria provided, single submitter. Criteria: Invitae Variant Classification Sherloc (09022015). Collection method: clinical testing. Allele origin: germline.
Comment: In summary, the available evidence is currently insufficient to determine the role of this variant in disease. Therefore, it has been classified as a Variant of Uncertain Significance. Algorithms developed to predict the effect of missense changes on protein structure and function (SIFT, PolyPhen-2, Align-GVGD) all suggest that this variant is likely to be disruptive. ClinVar contains an entry for this variant (Variation ID: 1500174). This variant has not been reported in the literature in individuals affected with NEXMIF-related conditions. This variant is present in population databases (no rsID available, gnomAD 0.001%). This sequence change replaces isoleucine, which is neutral and non-polar, with valine, which is neutral and non-polar, at codon 182 of the NEXMIF protein (p.Ile182Val).